The following is an entry in ClinVar:

NM_017433.5(MYO3A):c.1419dup (p.Gly474fs)

Gene: MYO3A (myosin IIIA; plus strand). Cytogenetic location: 10p12.1.
Variant type: Duplication.
Coding change: c.1419dup on transcript NM_017433.5 (MANE Select); coding-DNA position 1419, one base duplicated (T; older notation c.1419dupT).
Protein change: p.Gly474fs; shifts the reading frame from glycine 474.
Molecular consequence: frameshift variant.
Genome position (GRCh38, 1-based): chr10:26,088,262, T duplicated; the last of 3 consecutive T bases (chr10:26,088,260-26,088,262); duplicating any one gives the same sequence. VCF-style (leftmost placement, unchanged base first): chr10-26088259-C-CT. GRCh37 (hg19) VCF-style: chr10-26377188-C-CT.
Other names: short protein forms G474fs.
Identifiers: ClinVar variation 5007700 (VCV005007700.2).

ClinVar aggregate classification (germline): Likely pathogenic (1 of 4 stars; one submission).

Conditions:
Hearing loss, autosomal dominant 90. Also called: Deafness, autosomal dominant 90. Identifiers: MedGen C5935579, MONDO:0958232, OMIM 620722.
Autosomal recessive nonsyndromic hearing loss 30. Identifiers: Orphanet 90636, MedGen C1846784, MONDO:0011774, OMIM 607101.

Submission:

Juno Genomics, Hangzhou Juno Genomics, Inc
Classification: Likely pathogenic for Hearing loss, autosomal dominant 90; Autosomal recessive nonsyndromic hearing loss 30. Review status: criteria provided, single submitter. Criteria: ACMG Guidelines, 2015. Collection method: clinical testing. Allele origin: germline.
Comment: Null variant in a gene where loss of function (LOF) is a known mechanism of disease.;Absent from controls (or at extremely low frequency if recessive) in Genome Aggregation Database.